The following is an entry in ClinVar:

ClinVar aggregate classification (germline): Uncertain significance (1 of 4 stars; one submission).

gnomAD v4.1: 1 of 1,611,654 alleles (0.000062%); highest among the groups gnomAD compares: South Asian, 0.0011%; no homozygotes.

Submission:

Labcorp Genetics (formerly Invitae), Labcorp
Classification: Uncertain significance. Last evaluated: 2025-05-19. Review status: criteria provided, single submitter. Criteria: Invitae Variant Classification Sherloc (09022015). Collection method: clinical testing. Allele origin: germline.
Comment: This sequence change replaces threonine, which is neutral and polar, with alanine, which is neutral and non-polar, at codon 112 of the SCN3A protein (p.Thr112Ala). This variant is not present in population databases (gnomAD no frequency). This variant has not been reported in the literature in individuals affected with SCN3A-related conditions. ClinVar contains an entry for this variant (Variation ID: 3710789). Invitae Evidence Modeling of protein sequence and biophysical properties (such as structural, functional, and spatial information, amino acid conservation, physicochemical variation, residue mobility, and thermodynamic stability) has been performed for this missense variant. However, the output from this modeling did not meet the statistical confidence thresholds required to predict the impact of this variant on SCN3A protein function. In summary, the available evidence is currently insufficient to determine the role of this variant in disease. Therefore, it has been classified as a Variant of Uncertain Significance.

NM_006922.4(SCN3A):c.334A>G (p.Thr112Ala)

Gene: SCN3A (sodium voltage-gated channel alpha subunit 3; minus strand). Cytogenetic location: 2q24.3.
Variant type: single nucleotide variant.
Coding change: c.334A>G on transcript NM_006922.4 (MANE Select); coding-DNA position 334, A replaced by G.
Protein change: p.Thr112Ala; replaces threonine 112 with alanine.
Molecular consequence: missense variant.
Genome position (GRCh38, 1-based): chr2:165,170,479, T>C on the plus strand (A>G on the coding strand, the complement: SCN3A is on the minus strand). VCF-style: chr2-165170479-T-C. GRCh37 (hg19) VCF-style: chr2-166026989-T-C.
Other names: c.334A>G, p.Thr112Ala (NM_001081676.2, NM_001081677.2); short protein forms T112A.
Identifiers: ClinVar variation 3710789 (VCV003710789.2).